The following is an entry in ClinVar:

ClinVar aggregate classification (germline): Uncertain significance (1 of 4 stars; one submission).

Conditions:
Early-infantile DEE. Also called: Ohtahara syndrome; Early infantile epileptic encephalopathy with suppression bursts; Early infantile epileptic encephalopathy. Identifiers: Orphanet 1934, MedGen C0393706, MONDO:0800491.

Submission:

Labcorp Genetics (formerly Invitae), Labcorp
Classification: Uncertain significance for Early-infantile DEE. Last evaluated: 2022-10-03. Review status: criteria provided, single submitter. Criteria: Invitae Variant Classification Sherloc (09022015). Collection method: clinical testing. Allele origin: germline.
Comment: This variant is not present in population databases (gnomAD no frequency). This sequence change replaces arginine, which is basic and polar, with glycine, which is neutral and non-polar, at codon 731 of the SCN1A protein (p.Arg731Gly). This variant has not been reported in the literature in individuals affected with SCN1A-related conditions. In summary, the available evidence is currently insufficient to determine the role of this variant in disease. Therefore, it has been classified as a Variant of Uncertain Significance. Advanced modeling of protein sequence and biophysical properties (such as structural, functional, and spatial information, amino acid conservation, physicochemical variation, residue mobility, and thermodynamic stability) performed at Invitae indicates that this missense variant is expected to disrupt SCN1A protein function. ClinVar contains an entry for this variant (Variation ID: 1055490).

NM_001165963.4(SCN1A):c.2191A>G (p.Arg731Gly)

Gene: SCN1A (sodium voltage-gated channel alpha subunit 1; minus strand). Cytogenetic location: 2q24.3.
Variant type: single nucleotide variant.
Coding change: c.2191A>G on transcript NM_001165963.4 (MANE Select); coding-DNA position 2191, A replaced by G.
Protein change: p.Arg731Gly; replaces arginine 731 with glycine.
Molecular consequence: missense variant. On other transcripts: 5 prime UTR variant (1), non-coding transcript variant (1).
Genome position (GRCh38, 1-based): chr2:166,041,455, T>C on the plus strand (A>G on the coding strand, the complement: SCN1A is on the minus strand). VCF-style: chr2-166041455-T-C. GRCh37 (hg19) VCF-style: chr2-166897965-T-C.
Other names: c.2107A>G, p.Arg703Gly (NM_001165964.3, NM_001353957.2, NM_001353958.2); c.2191A>G, p.Arg731Gly (NM_001202435.3, NM_001353948.2); c.2158A>G, p.Arg720Gly (NM_001353949.2, NM_001353950.2, NM_001353951.2 and 2 more transcripts); c.2155A>G, p.Arg719Gly (NM_001353954.2, NM_001353955.2); c.2104A>G, p.Arg702Gly (NM_001353960.2); c.-268A>G (NM_001353961.2); short protein forms R702G, R703G, R719G, R720G, R731G.
Identifiers: ClinVar variation 1055490 (VCV001055490.10), dbSNP rs2105829492, ClinGen allele CA349065295.